The following is an entry in ClinVar:

NM_016239.4(MYO15A):c.836A>T (p.Tyr279Phe)

Gene: MYO15A (myosin XVA; plus strand). Cytogenetic location: 17p11.2.
Variant type: single nucleotide variant.
Coding change: c.836A>T on transcript NM_016239.4 (MANE Select); coding-DNA position 836, A replaced by T.
Protein change: p.Tyr279Phe; replaces tyrosine 279 with phenylalanine.
Molecular consequence: missense variant.
Genome position (GRCh38, 1-based): chr17:18,119,636, A>T. VCF-style: chr17-18119636-A-T. GRCh37 (hg19) VCF-style: chr17-18022950-A-T.
Other names: short protein forms Y279F.
Identifiers: ClinVar variation 1312318 (VCV001312318.2), dbSNP rs2142241905, ClinGen allele CA398576091.

ClinVar aggregate classification (germline): Uncertain significance (1 of 4 stars; one submission).

Submission:

GeneDx
Classification: Uncertain significance. Last evaluated: 2019-09-19. Review status: criteria provided, single submitter. Criteria: GeneDx Variant Classification Process June 2021. Collection method: clinical testing. Allele origin: germline. Affected: yes.
Comment: Not observed in large population cohorts (Lek et al., 2016); In silico analysis, which includes protein predictors and evolutionary conservation, supports that this variant does not alter protein structure/function; Has not been previously published as pathogenic or benign to our knowledge